The following is an entry in ClinVar:

NM_015627.3(LDLRAP1):c.143del (p.Phe48fs)

Gene: LDLRAP1 (low density lipoprotein receptor adaptor protein 1; plus strand). Cytogenetic location: 1p36.11.
Variant type: Deletion.
Coding change: c.143del on transcript NM_015627.3 (MANE Select); coding-DNA position 143, one base deleted (T; older notation c.143delT).
Protein change: p.Phe48fs; shifts the reading frame from phenylalanine 48.
Molecular consequence: frameshift variant.
Genome position (GRCh38, 1-based): chr1:25,553,976, T deleted; the last of 2 consecutive T bases (chr1:25,553,975-25,553,976); deleting either gives the same sequence. VCF-style (leftmost placement, unchanged base first): chr1-25553974-GT-G. GRCh37 (hg19) VCF-style: chr1-25880465-GT-G.
Other names: c.143del (NM_015627.2); short protein forms F48fs.
Identifiers: ClinVar variation 1373822 (VCV001373822.10), dbSNP rs868193249, ClinGen allele CA19674118.
Genomic context (GRCh38, chr1:25,553,974, plus strand): 5'-TACCCCAGAGCTGCCTGAGAACTGGACAGACACGCGGGAGACGCTGCTGGAGGGGATGCT[GT>G]TCAGCCTCAAGTACCTGGGCATGACGCTAGTGGAGCAGCCCAAGGGTGAGGAGCTGTCGG-3'

ClinVar aggregate classification (germline): Pathogenic/Likely pathogenic. Review status: criteria provided, multiple submitters, no conflicts (2 of 4 stars). 4 submissions from 4 submitters: Pathogenic (3); Likely pathogenic (1). Last evaluated 2025-08-06.

Conditions:
Cardiovascular phenotype. Identifiers: MedGen CN230736.
Hypercholesterolemia, familial, 4 (FHCL4). Also called: HYPERCHOLESTEROLEMIA, AUTOSOMAL RECESSIVE, 1; HYPERCHOLESTEROLEMIA, AUTOSOMAL RECESSIVE, 2. Identifiers: Orphanet 391665, MedGen C1863512, MONDO:0011374, OMIM 603813.

Submissions (4):

Ambry Genetics
Classification: Pathogenic for Cardiovascular phenotype. Last evaluated: 2025-08-06. Review status: criteria provided, single submitter. Criteria: Ambry Variant Classification Scheme 2023. Collection method: clinical testing. Allele origin: germline.
Comment: The c.143delT pathogenic mutation, located in coding exon 2 of the LDLRAP1 gene, results from a deletion of one nucleotide at nucleotide position 143, causing a translational frameshift with a predicted alternate stop codon (p.F48Sfs*8). This variant is considered to be rare based on population cohorts in the Genome Aggregation Database (gnomAD). This alteration is expected to result in loss of function by premature protein truncation or nonsense-mediated mRNA decay. As such, this alteration is interpreted as a disease-causing mutation.

Labcorp Genetics (formerly Invitae), Labcorp
Classification: Pathogenic for Hypercholesterolemia, familial, 4. Last evaluated: 2023-11-20. Review status: criteria provided, single submitter. Criteria: Invitae Variant Classification Sherloc (09022015). Collection method: clinical testing. Allele origin: germline.
Comment: This sequence change creates a premature translational stop signal (p.Phe48Serfs*8) in the LDLRAP1 gene. It is expected to result in an absent or disrupted protein product. Loss-of-function variants in LDLRAP1 are known to be pathogenic (PMID: 11326085, 12464675). This variant is not present in population databases (gnomAD no frequency). This variant has not been reported in the literature in individuals affected with LDLRAP1-related conditions. ClinVar contains an entry for this variant (Variation ID: 1373822). For these reasons, this variant has been classified as Pathogenic.

Genome-Nilou Lab
Classification: Pathogenic for Hypercholesterolemia, familial, 4. Last evaluated: 2023-04-11. Review status: criteria provided, single submitter. Criteria: ACMG Guidelines, 2015. Collection method: clinical testing. Allele origin: germline. Affected: no.

Revvity Omics, Revvity
Classification: Likely pathogenic for Hypercholesterolemia, familial, 4. Last evaluated: 2022-11-18. Review status: criteria provided, single submitter. Criteria: ACMG Guidelines, 2015. Collection method: clinical testing. Allele origin: germline.

Literature cited by the submitters: PubMed 11326085 (cited by Labcorp Genetics (formerly Invitae), Labcorp); PubMed 12464675 (cited by Labcorp Genetics (formerly Invitae), Labcorp).